The following is an entry in ClinVar:

NM_001013703.4(EIF2AK4):c.2208_2219del (p.732DDED[1])

Gene: EIF2AK4 (eukaryotic translation initiation factor 2 alpha kinase 4; plus strand). Cytogenetic location: 15q15.1.
Variant type: Deletion.
Coding change: c.2208_2219del on transcript NM_001013703.4 (MANE Select); coding-DNA positions 2208 to 2219, 12 bases deleted (CGACGAGGACGA).
Protein change: p.732DDED[1].
Molecular consequence: inframe deletion.
Genome position (GRCh38, 1-based): chr15:39,976,803-39,976,814, CGACGAGGACGA deleted; deleting any 12 consecutive bases within chr15:39,976,792-39,976,814 gives the same sequence; the c. name uses the placement nearest the transcript's 3' end. VCF-style (leftmost placement, unchanged base first): chr15-39976791-TGACGAGGACGAC-T. GRCh37 (hg19) VCF-style: chr15-40268992-TGACGAGGACGAC-T.
Identifiers: ClinVar variation 4979864 (VCV004979864.1).

ClinVar aggregate classification (germline): Uncertain significance (1 of 4 stars; one submission).

Conditions:
EIF2AK4-related disorder. Also called: EIF2AK4-related condition.

Submission:

PreventionGenetics, part of Exact Sciences
Classification: Uncertain significance for EIF2AK4-related condition. Last evaluated: 2025-02-26. Review status: criteria provided, single submitter. Criteria: ACMG Guidelines, 2015. Collection method: clinical testing. Allele origin: germline.
Comment: The EIF2AK4 c.2208_2219del12 variant is predicted to result in an in-frame deletion (p.Asp736_Asp739del). To our knowledge, this variant has not been reported in the literature. This variant is reported in 0.010% of alleles in individuals of Latino descent in gnomAD. At this time, the clinical significance of this variant is uncertain due to the absence of conclusive functional and genetic evidence.